The following is an entry in ClinVar:

NM_032043.3(BRIP1):c.1075del (p.Ile359fs)

Gene: BRIP1 (BRCA1 interacting DNA helicase 1; minus strand). Cytogenetic location: 17q23.2.
Variant type: Deletion.
Coding change: c.1075del on transcript NM_032043.3 (MANE Select); coding-DNA position 1075, one base deleted (A; older notation c.1075delA).
Protein change: p.Ile359fs; shifts the reading frame from isoleucine 359.
Molecular consequence: frameshift variant.
Genome position (GRCh38, 1-based): chr17:61,801,318, T deleted on the plus strand (A on the coding strand, the reverse complement: BRIP1 is on the minus strand); the first of 2 consecutive T bases (chr17:61,801,318-61,801,319); deleting either gives the same sequence. VCF-style (leftmost placement, unchanged base first): chr17-61801317-AT-A. GRCh37 (hg19) VCF-style: chr17-59878678-AT-A.
Other names: c.1075delA (NM_032043.2); short protein forms I359fs.
Identifiers: ClinVar variation 3261807 (VCV003261807.1).

ClinVar aggregate classification (germline): Pathogenic (1 of 4 stars; one submission).

Conditions:
Hereditary cancer-predisposing syndrome. Also called: Hereditary Cancer Syndrome; Tumor predisposition; Hereditary neoplastic syndrome; Neoplastic Syndromes, Hereditary. Identifiers: Orphanet 140162, MedGen C0027672, MeSH D009386, MONDO:0015356.

Submission:

Ambry Genetics
Classification: Pathogenic for Hereditary cancer-predisposing syndrome. Last evaluated: 2024-04-26. Review status: criteria provided, single submitter. Criteria: Ambry Variant Classification Scheme 2023. Collection method: clinical testing. Allele origin: germline.
Comment: The c.1075delA pathogenic mutation, located in coding exon 7 of the BRIP1 gene, results from a deletion of one nucleotide at nucleotide position 1075, causing a translational frameshift with a predicted alternate stop codon (p.I359Yfs*15). This variant is considered to be rare based on population cohorts in the Genome Aggregation Database (gnomAD). This alteration is expected to result in loss of function by premature protein truncation or nonsense-mediated mRNA decay. As such, this alteration is interpreted as a disease-causing mutation.